The following is an entry in ClinVar:

NM_001079872.2(CUL4B):c.1257-7dup

Gene: CUL4B (cullin 4B; minus strand). Cytogenetic location: Xq24.
Variant type: Duplication.
Coding change: c.1257-7dup on transcript NM_001079872.2 (MANE Select); 7 bases into the intron before coding-DNA position 1257, one base duplicated (C; older notation c.1257-7dupC).
Molecular consequence: intron variant.
Genome position (GRCh38, 1-based): chrX:120,543,040, G duplicated on the plus strand (C on the coding strand, the reverse complement: CUL4B is on the minus strand); the first of 2 consecutive G bases (chrX:120,543,040-120,543,041); duplicating either gives the same sequence. VCF-style (leftmost placement, unchanged base first): chrX-120543039-A-AG. GRCh37 (hg19) VCF-style: chrX-119676894-A-AG.
Other names: c.1311-7dup (NM_003588.4); c.1272-7dup (NM_001330624.2); c.723-7dup (NM_001369145.1).
Identifiers: ClinVar variation 3346439 (VCV003346439.1).
Genomic context (GRCh38, chrX:120,543,039, plus strand): 5'-TGCTGTTAAGTGTTCACCTAGAAGTTGTTTTTCTACAGTAGCAATTAATGACTTCCTACA[A>AG]GGAAAAAAAAAAAGGTTAGTATTATTGACGTTTGACTTCCAGAAAATGTAAAGCCTCTCC-3'

ClinVar aggregate classification (germline): Likely benign (0 of 4 stars; one submission).

Conditions:
CUL4B-related disorder. Also called: CUL4B-related condition.

Submission:

PreventionGenetics, part of Exact Sciences
Classification: Likely benign for CUL4B-related condition. Last evaluated: 2024-08-30. Review status: no assertion criteria provided. Collection method: clinical testing. Allele origin: germline.
Comment: This variant is classified as likely benign based on ACMG/AMP sequence variant interpretation guidelines (Richards et al. 2015 PMID: 25741868, with internal and published modifications).